The following is an entry in ClinVar:

ClinVar aggregate classification (germline): Uncertain significance (1 of 4 stars; one submission).

Conditions:
Cardiovascular phenotype. Identifiers: MedGen CN230736.

Submission:

Ambry Genetics
Classification: Uncertain significance for Cardiovascular phenotype. Last evaluated: 2026-02-19. Review status: criteria provided, single submitter. Criteria: Ambry Variant Classification Scheme 2023. Collection method: clinical testing. Allele origin: germline.
Comment: The p.D559N variant (also known as c.1675G>A), located in coding exon 13 of the CACNB2 gene, results from a G to A substitution at nucleotide position 1675. The aspartic acid at codon 559 is replaced by asparagine, an amino acid with highly similar properties. This amino acid position is conserved. In addition, this alteration is predicted to be tolerated by in silico analysis. Based on the available evidence, the clinical significance of this variant remains unclear.

NM_201596.3(CACNB2):c.1837G>A (p.Asp613Asn)

Gene: CACNB2 (calcium voltage-gated channel auxiliary subunit beta 2; plus strand). Cytogenetic location: 10p12.31.
Variant type: single nucleotide variant.
Coding change: c.1837G>A on transcript NM_201596.3 (MANE Select); coding-DNA position 1837, G replaced by A.
Protein change: p.Asp613Asn; replaces aspartic acid 613 with asparagine.
Molecular consequence: missense variant.
Genome position (GRCh38, 1-based): chr10:18,539,578, G>A. VCF-style: chr10-18539578-G-A. GRCh37 (hg19) VCF-style: chr10-18828507-G-A.
Other names: c.1672G>A, p.Asp558Asn (NM_000724.4); c.1639G>A, p.Asp547Asn (NM_001167945.2); c.1558G>A, p.Asp520Asn (NM_001330060.2); c.1579G>A, p.Asp527Asn (NM_001410882.1); c.1693G>A, p.Asp565Asn (NM_201570.3); c.1753G>A, p.Asp585Asn (NM_201571.4); c.1681G>A, p.Asp561Asn (NM_201572.4); c.1675G>A, p.Asp559Asn (NM_201590.3); and 2 more; short protein forms D520N, D559N, D585N, D547N, D565N, D527N, D558N, D613N.
Identifiers: ClinVar variation 4844197 (VCV004844197.1).